The following is an entry in ClinVar:

ClinVar aggregate classification (germline): Likely benign (1 of 4 stars; one submission).

Submission:

CeGaT Center for Human Genetics Tuebingen
Classification: Likely benign. Last evaluated: 2026-09-01. Review status: criteria provided, single submitter. Criteria: CeGaT Center For Human Genetics Tuebingen Variant Classification Criteria Version 2. Collection method: clinical testing. Allele origin: germline. Affected: yes. Observed: 4 variant alleles.
Comment: WDR26: PM4, BS1, BS2

NM_001379403.1(WDR26):c.178TCC[10] (p.Ser67_Val68insSerSer)

Gene: WDR26 (WD repeat domain 26; minus strand). Cytogenetic location: 1q42.12.
Variant type: Microsatellite.
Coding change: c.178TCC[10] on transcript NM_001379403.1 (MANE Select); ten copies in a row of the 3-base unit TCC starting at c.178; the reference has eight copies in a row; two copies, 6 bases duplicated.
Protein change: p.Ser67_Val68insSerSer.
Molecular consequence: inframe insertion. On other transcripts: 5 prime UTR variant (2).
Genome position (GRCh38, 1-based): chr1:224,434,205-224,434,210, GGAGGA duplicated on the plus strand (TCCTCC on the coding strand, the reverse complement: WDR26 is on the minus strand); duplicating any 6 consecutive bases within chr1:224,434,205-224,434,228 gives the same sequence; the position shown is the placement nearest the transcript's 3' end. VCF-style (leftmost placement, unchanged base first): chr1-224434204-C-CGGAGGA. GRCh37 (hg19) VCF-style: chr1-224621906-C-CGGAGGA.
Other names: c.-123TCC[10] (NM_001115113.3, NM_025160.7).
Identifiers: ClinVar variation 2639933 (VCV002639933.24), dbSNP rs144531645, ClinGen allele CA529391022.